The following is an entry in ClinVar:

NM_001353345.2(SETD1B):c.1263G>A (p.Gly421=)

Gene: SETD1B (SET domain containing 1B, histone lysine methyltransferase; plus strand). Cytogenetic location: 12q24.31.
Variant type: single nucleotide variant.
Coding change: c.1263G>A on transcript NM_001353345.2 (MANE Select); coding-DNA position 1263, G replaced by A.
Protein change: p.Gly421=; no amino-acid change (glycine 421 retained).
Molecular consequence: synonymous variant.
Genome position (GRCh38, 1-based): chr12:121,810,208, G>A. VCF-style: chr12-121810208-G-A. GRCh37 (hg19) VCF-style: chr12-122248114-G-A.
Other names: NM_015048.1:c.1263G>A.
Identifiers: ClinVar variation 2498570 (VCV002498570.28), dbSNP rs61734114, ClinGen allele CA6838848.

ClinVar aggregate classification (germline): Benign. Review status: criteria provided, single submitter (1 of 4 stars). 2 submissions from 2 submitters: Benign (1). 1 of the submissions does not count toward it. Last evaluated 2026-09-01.

Conditions:
SETD1B-related disorder. Also called: SETD1B-related condition.

Allele frequency attached by ClinVar (database versions not stated): 1000 Genomes Project 0.00280; 1000 Genomes Project 30x 0.00297; ExAC 0.00322; TOPMed 0.00719; gnomAD 0.00742; gnomAD exomes 0.01167.
gnomAD v4.1: 17,365 of 1,549,444 alleles (1.1%); highest among the groups gnomAD compares: Non-Finnish European, 1.4%; 110 homozygotes.

Submissions (2):

CeGaT Center for Human Genetics Tuebingen
Classification: Benign. Last evaluated: 2026-09-01. Review status: criteria provided, single submitter. Criteria: CeGaT Center For Human Genetics Tuebingen Variant Classification Criteria Version 2. Collection method: clinical testing. Allele origin: germline. Affected: yes. Observed: 54 variant alleles.
Comment: SETD1B: BP4, BS1, BS2

PreventionGenetics, part of Exact Sciences
Classification: Benign for SETD1B-related condition. Last evaluated: 2024-05-20. Review status: no assertion criteria provided. Collection method: clinical testing. Allele origin: germline. Not counted in ClinVar's aggregate classification.
Comment: This variant is classified as benign based on ACMG/AMP sequence variant interpretation guidelines (Richards et al. 2015 PMID: 25741868, with internal and published modifications).